The following is an entry in ClinVar:

NM_001370466.1(NOD2):c.2477A>G (p.Asn826Ser)

Gene: NOD2 (nucleotide binding oligomerization domain containing 2; plus strand). Cytogenetic location: 16q12.1.
Variant type: single nucleotide variant.
Coding change: c.2477A>G on transcript NM_001370466.1 (MANE Select); coding-DNA position 2477, A replaced by G.
Protein change: p.Asn826Ser; replaces asparagine 826 with serine.
Molecular consequence: missense variant. On other transcripts: non-coding transcript variant (1).
Genome position (GRCh38, 1-based): chr16:50,716,902, A>G. VCF-style: chr16-50716902-A-G. GRCh37 (hg19) VCF-style: chr16-50750813-A-G.
Other names: c.2558A>G (LRG_177t1); c.2477A>G, p.Asn826Ser (NM_001293557.2); c.2558A>G, p.Asn853Ser (NM_022162.3); short protein forms N853S, N826S.
Identifiers: ClinVar variation 97857 (VCV000097857.1), dbSNP rs104895446, ClinGen allele CA150283.
Genomic context (GRCh38, chr16:50,716,902, plus strand): 5'-TGTCCAATGTGCTTTGCTTCTGTGTCTCCTCTCTTCTGGAACTGAACAGTCTATTCAACA[A>G]CAAATTGACTGACGGCTGTGCACACTCCATGGCTAAGCTCCTTGCATGCAGGCAGAACTT-3'
Protein context (NP_001357395.1, residues 816-836): EQLQKLALFN[Asn826Ser]KLTDGCAHSM

ClinVar aggregate classification (germline): not provided (0 of 4 stars; one submission).

Conditions:
Blau syndrome (BLAUS). Also called: ARTHROCUTANEOUVEAL GRANULOMATOSIS; GRANULOMATOSIS, FAMILIAL JUVENILE SYSTEMIC; GRANULOMATOSIS, FAMILIAL, BLAU TYPE; GRANULOMATOUS INFLAMMATORY ARTHRITIS, DERMATITIS, AND UVEITIS, FAMILIAL; JABS SYNDROME. Identifiers: Orphanet 90340, MedGen C5201146, MONDO:0008523, OMIM 186580.

Submission:

Unité médicale des maladies autoinflammatoires, CHRU Montpellier
No classification provided. Condition: Sarcoidosis, early-onset. Review status: no classification provided. Collection method: not provided. Allele origin: unknown.
Comment: also involved in OMIM 186580 and 266600